The following is an entry in ClinVar:

NM_138713.4(NFAT5):c.1450A>G (p.Ile484Val)

Gene: NFAT5 (nuclear factor of activated T cells 5; plus strand). Cytogenetic location: 16q22.1.
Variant type: single nucleotide variant.
Coding change: c.1450A>G on transcript NM_138713.4 (MANE Select); coding-DNA position 1450, A replaced by G.
Protein change: p.Ile484Val; replaces isoleucine 484 with valine.
Molecular consequence: missense variant.
Genome position (GRCh38, 1-based): chr16:69,670,057, A>G. VCF-style: chr16-69670057-A-G. GRCh37 (hg19) VCF-style: chr16-69703960-A-G.
Other names: c.1450A>G, p.Ile484Val (NM_001113178.3); c.778A>G, p.Ile260Val (NM_001367709.1); c.1396A>G, p.Ile466Val (NM_006599.4); c.1168A>G, p.Ile390Val (NM_138714.4, NM_173214.3, NM_173215.3); short protein forms I390V, I484V, I260V, I466V.
Identifiers: ClinVar variation 2695548 (VCV002695548.3), dbSNP rs2544088815, ClinGen allele CA396496542.
Genomic context (GRCh38, chr16:69,670,057, plus strand): 5'-GAAATCTTAAAGAAAAGCTTGCATAGCTGTTCAGTGAAAGGAGAAGAAGAAGTGTTTTTA[A>G]TCGGCAAGAACTTTCTGAAAGGAACTAAAGTTATTTTCCAAGAAAATGTTTCTGGTAAGT-3'
Protein context (NP_619727.2, residues 474-494): SVKGEEEVFL[Ile484Val]GKNFLKGTKV

ClinVar aggregate classification (germline): Uncertain significance (1 of 4 stars; one submission).

Conditions:
Immunodeficiency. Identifiers: MedGen C0021051, MONDO:0021094, HP:0002721.

Submission:

Labcorp Genetics (formerly Invitae), Labcorp
Classification: Uncertain significance for Immunodeficiency. Last evaluated: 2023-11-13. Review status: criteria provided, single submitter. Criteria: Invitae Variant Classification Sherloc (09022015). Collection method: clinical testing. Allele origin: germline.
Comment: This sequence change replaces isoleucine, which is neutral and non-polar, with valine, which is neutral and non-polar, at codon 390 of the NFAT5 protein (p.Ile390Val). This variant is not present in population databases (gnomAD no frequency). This variant has not been reported in the literature in individuals affected with NFAT5-related conditions. An algorithm developed to predict the effect of missense changes on protein structure and function (PolyPhen-2) suggests that this variant is likely to be disruptive. In summary, the available evidence is currently insufficient to determine the role of this variant in disease. Therefore, it has been classified as a Variant of Uncertain Significance.